The following is an entry in ClinVar:

ClinVar aggregate classification (germline): Uncertain significance (1 of 4 stars; one submission).

Submission:

CeGaT Center for Human Genetics Tuebingen
Classification: Uncertain significance. Last evaluated: 2025-05-01. Review status: criteria provided, single submitter. Criteria: CeGaT Center For Human Genetics Tuebingen Variant Classification Criteria Version 2. Collection method: clinical testing. Allele origin: germline. Affected: yes. Observed: 1 variant allele.
Comment: BPTF: PM2, BP4

NM_182641.4(BPTF):c.6088A>G (p.Thr2030Ala)

Gene: BPTF (bromodomain PHD finger transcription factor; plus strand). Cytogenetic location: 17q24.2.
Variant type: single nucleotide variant.
Coding change: c.6088A>G on transcript NM_182641.4 (MANE Select); coding-DNA position 6088, A replaced by G.
Protein change: p.Thr2030Ala; replaces threonine 2030 with alanine.
Molecular consequence: missense variant.
Genome position (GRCh38, 1-based): chr17:67,929,425, A>G. VCF-style: chr17-67929425-A-G. GRCh37 (hg19) VCF-style: chr17-65925541-A-G.
Other names: c.6466A>G, p.Thr2156Ala (NM_004459.7); short protein forms T2030A, T2156A.
Identifiers: ClinVar variation 3905826 (VCV003905826.10).